The following is an entry in ClinVar:

ClinVar aggregate classification (germline): Conflicting classifications of pathogenicity. Review status: criteria provided, conflicting classifications (1 of 4 stars). 4 submissions from 4 submitters: Uncertain significance (1); Likely benign (3). Last evaluated 2025-08-19.

Conditions:
Inborn genetic diseases. Identifiers: MedGen C0950123, MeSH D030342.
Autosomal dominant childhood-onset proximal spinal muscular atrophy with contractures (SMALED2A). Also called: SPINAL MUSCULAR ATROPHY, LOWER EXTREMITY-PREDOMINANT, 2A, CHILDHOOD ONSET, AUTOSOMAL DOMINANT; Spinal muscular atrophy, lower extremity-predominant, 2A, autosomal dominant. Identifiers: Orphanet 363447, Orphanet 363454, MedGen C4747715, MONDO:0014121, OMIM 615290.

Allele frequency attached by ClinVar (database versions not stated): gnomAD 0.00006 and 0.00007; TOPMed 0.00006; gnomAD exomes 0.00007; ESP Exome Variant Server 0.00008; ExAC 0.00010; 1000 Genomes Project 0.00040; 1000 Genomes Project 30x 0.00047.
gnomAD v4.1: 162 of 1,596,898 alleles (0.01%); highest among the groups gnomAD compares: Non-Finnish European, 0.013%; no homozygotes.

Submissions (4):

Labcorp Genetics (formerly Invitae), Labcorp
Classification: Likely benign for Autosomal dominant childhood-onset proximal spinal muscular atrophy with contractures. Last evaluated: 2025-08-19. Review status: criteria provided, single submitter. Criteria: Invitae Variant Classification Sherloc (09022015). Collection method: clinical testing. Allele origin: germline.

ARUP Laboratories, Molecular Genetics and Genomics, ARUP Laboratories
Classification: Uncertain significance. Last evaluated: 2025-07-03. Review status: criteria provided, single submitter. Criteria: ARUP Molecular Germline Variant Investigation Process 2024. Collection method: clinical testing. Allele origin: germline.
Comment: The BICD2 c.1742G>A; p.Arg581His variant (rs201771783), to our knowledge, is not reported in the medical literature but is reported in ClinVar (Variation ID: 859617). This variant is found in the general population with an overall allele frequency of 0.007% (15/246264 alleles) in the Genome Aggregation Database (v2.1.1). Computational analyses predict that this variant is neutral (REVEL: 0.124). Due to limited information, the clinical significance of this variant is uncertain at this time.

Ambry Genetics
Classification: Likely benign for Inborn genetic diseases. Last evaluated: 2025-06-12. Review status: criteria provided, single submitter. Criteria: Ambry Variant Classification Scheme 2023. Collection method: clinical testing. Allele origin: germline.

Blueprint Genetics
Classification: Likely benign. Last evaluated: 2024-10-15. Review status: criteria provided, single submitter. Criteria: ACMG Guidelines, 2015. Collection method: clinical testing. Allele origin: germline.

NM_001003800.2(BICD2):c.1742G>A (p.Arg581His)

Gene: BICD2 (BICD cargo adaptor 2; minus strand). Cytogenetic location: 9q22.31.
Variant type: single nucleotide variant.
Coding change: c.1742G>A on transcript NM_001003800.2 (MANE Select); coding-DNA position 1742, G replaced by A.
Protein change: p.Arg581His; replaces arginine 581 with histidine.
Molecular consequence: missense variant.
Genome position (GRCh38, 1-based): chr9:92,718,903, C>T on the plus strand (G>A on the coding strand, the complement: BICD2 is on the minus strand). VCF-style: chr9-92718903-C-T. GRCh37 (hg19) VCF-style: chr9-95481185-C-T.
Other names: c.1742G>A, p.Arg581His (NM_015250.4); short protein forms R581H.
Identifiers: ClinVar variation 859617 (VCV000859617.16), dbSNP rs201771783, ClinGen allele CA5126487.